The following is an entry in ClinVar:

ClinVar aggregate classification (germline): Uncertain significance (1 of 4 stars; one submission).

Submission:

GeneDx
Classification: Uncertain significance. Last evaluated: 2025-05-05. Review status: criteria provided, single submitter. Criteria: GeneDx Variant Classification Process June 2021. Collection method: clinical testing. Allele origin: germline. Affected: yes.
Comment: Not observed at significant frequency in large population cohorts (gnomAD); In silico analysis supports that this missense variant has a deleterious effect on protein structure/function; Has not been previously published as pathogenic or benign to our knowledge

NM_017780.4(CHD7):c.3643A>G (p.Lys1215Glu)

Gene: CHD7 (chromodomain helicase DNA binding protein 7; plus strand). Cytogenetic location: 8q12.2.
Variant type: single nucleotide variant.
Coding change: c.3643A>G on transcript NM_017780.4 (MANE Select); coding-DNA position 3643, A replaced by G.
Protein change: p.Lys1215Glu; replaces lysine 1215 with glutamic acid.
Molecular consequence: missense variant. On other transcripts: intron variant (1).
Genome position (GRCh38, 1-based): chr8:60,830,442, A>G. VCF-style: chr8-60830442-A-G. GRCh37 (hg19) VCF-style: chr8-61743001-A-G.
Other names: c.1717-31787A>G (NM_001316690.1); short protein forms K1215E.
Identifiers: ClinVar variation 4528116 (VCV004528116.1).
Genomic context (GRCh38, chr8:60,830,442, plus strand): 5'-GAAAAGAACTTGGCCCCCAAAGAAGAAACTATTATTGAAGTTGAGCTAACAAACATTCAG[A>G]AGAAATATTACCGAGCCATCCTTGAGAAGAATTTCACATTTCTTTCCAAAGGCGGTGGTC-3'
Protein context (NP_060250.2, residues 1205-1225): IIEVELTNIQ[Lys1215Glu]KYYRAILEKN